The following is an entry in ClinVar:

NM_000090.4(COL3A1):c.508G>A (p.Ala170Thr)

Gene: COL3A1 (collagen type III alpha 1 chain; plus strand). Cytogenetic location: 2q32.2.
Variant type: single nucleotide variant.
Coding change: c.508G>A on transcript NM_000090.4 (MANE Select); coding-DNA position 508, G replaced by A.
Protein change: p.Ala170Thr; replaces alanine 170 with threonine.
Molecular consequence: missense variant.
Genome position (GRCh38, 1-based): chr2:188,987,119, G>A. VCF-style: chr2-188987119-G-A. GRCh37 (hg19) VCF-style: chr2-189851845-G-A.
Other names: short protein forms A170T.
Identifiers: ClinVar variation 263818 (VCV000263818.20), dbSNP rs374476865, ClinGen allele CA076651.

ClinVar aggregate classification (germline): Conflicting classifications of pathogenicity. Review status: criteria provided, conflicting classifications (1 of 4 stars). 4 submissions from 4 submitters: Uncertain significance (1); Benign (1); Likely benign (2). Last evaluated 2026-02-03.

Conditions:
Familial thoracic aortic aneurysm and aortic dissection (TAAD). Also called: Thoracic aortic aneurysms and dissections. Identifiers: Orphanet 91387, MedGen C4707243, MONDO:0019625.
Ehlers-Danlos syndrome, type 4 (EDSVASC). Also called: Ehlers-Danlos syndrome vascular type; Ehlers Danlos syndrome, ecchymotic type; Ehlers Danlos syndrome, arterial type; Ehlers Danlos syndrome, Sack-Barabas type; Ehlers-Danlos Syndrome Type IV. Identifiers: Orphanet 286, MedGen C0268338, MONDO:0017314, OMIM 130050.

Allele frequency attached by ClinVar (database versions not stated): gnomAD 0.00001 and 0.00003; TOPMed 0.00004; ExAC 0.00007; gnomAD exomes 0.00007; ESP Exome Variant Server 0.00008; 1000 Genomes Project 30x 0.00031; 1000 Genomes Project 0.00040.
gnomAD v4.1: 34 of 1,612,564 alleles (0.0021%); highest among the groups gnomAD compares: East Asian, 0.049%; no homozygotes.

Submissions (4):

Labcorp Genetics (formerly Invitae), Labcorp
Classification: Likely benign for Ehlers-Danlos syndrome, type 4. Last evaluated: 2026-02-03. Review status: criteria provided, single submitter. Criteria: Invitae Variant Classification Sherloc (09022015). Collection method: clinical testing. Allele origin: germline.

GeneDx
Classification: Uncertain significance. Last evaluated: 2025-08-09. Review status: criteria provided, single submitter. Criteria: GeneDx Variant Classification Process June 2021. Collection method: clinical testing. Allele origin: germline.
Comment: In silico analysis suggests that this missense variant does not alter protein structure/function; Occurs in the triple helical domain at the Y position in the canonical Gly-X-Y repeat; although this variant may have an effect on normal protein folding and function, missense substitution at the Y position is not a common mechanism of disease (HGMD); Has not been previously published as pathogenic or benign to our knowledge

Ambry Genetics
Classification: Benign for Familial thoracic aortic aneurysm and aortic dissection. Last evaluated: 2024-12-02. Review status: criteria provided, single submitter. Criteria: Ambry Variant Classification Scheme 2023. Collection method: clinical testing. Allele origin: germline.

Color Diagnostics, LLC DBA Color Health
Classification: Likely benign for Familial thoracic aortic aneurysm and aortic dissection. Last evaluated: 2021-02-18. Review status: criteria provided, single submitter. Criteria: ACMG Guidelines, 2015. Collection method: clinical testing. Allele origin: germline.